The following is an entry in ClinVar:

ClinVar aggregate classification (germline): Uncertain significance. Review status: criteria provided, multiple submitters, no conflicts (2 of 4 stars). 2 submissions from 2 submitters: Uncertain significance (2). Last evaluated 2024-08-10.

Conditions:
Cardiovascular phenotype. Identifiers: MedGen CN230736.
Hypertrophic cardiomyopathy. Also called: HYPERTROPHIC MYOCARDIOPATHY. Identifiers: Orphanet 217569, MedGen C0007194, MeSH D002312, MONDO:0005045, HP:0001639.

Allele frequency attached by ClinVar (database versions not stated): gnomAD 0.00001.
gnomAD v4.1: 1 of 1,574,256 alleles (0.000064%); highest among the groups gnomAD compares: African/African-American, 0.0014%; no homozygotes.

Submissions (2):

Ambry Genetics
Classification: Uncertain significance for Cardiovascular phenotype. Last evaluated: 2024-08-10. Review status: criteria provided, single submitter. Criteria: Ambry Variant Classification Scheme 2023. Collection method: clinical testing. Allele origin: germline.
Comment: The p.G77V variant (also known as c.230G>T), located in coding exon 2 of the MYBPC3 gene, results from a G to T substitution at nucleotide position 230. The glycine at codon 77 is replaced by valine, an amino acid with dissimilar properties. This amino acid position is not well conserved in available vertebrate species. In addition, this alteration is predicted to be tolerated by in silico analysis. Based on the available evidence, the clinical significance of this variant remains unclear.

All of Us Research Program, National Institutes of Health
Classification: Uncertain significance for Hypertrophic cardiomyopathy. Last evaluated: 2023-05-04. Review status: criteria provided, single submitter. Criteria: ACMG Guidelines, 2015. Collection method: clinical testing. Allele origin: germline. Inheritance: Autosomal dominant inheritance. Observed: 2 variant alleles, 2 heterozygotes.
Comment: This missense variant replaces glycine with valine at codon 77 of the MYBPC3 protein. Computational prediction suggests that this variant may not impact protein structure and function (internally defined REVEL score threshold <= 0.5, PMID: 27666373). To our knowledge, functional studies have not been reported for this variant. This variant has not been reported in individuals affected with MYBPC3-related disorders in the literature. This variant has been identified in 1/31398 chromosomes in the general population by the Genome Aggregation Database (gnomAD). The available evidence is insufficient to determine the role of this variant in disease conclusively. Therefore, this variant is classified as a Variant of Uncertain Significance.

This study involves interpretation of variants in research participants for the purpose of population health screening. Participant phenotype was not available at the time of variant classification. Additional details can be found in publication PMID: 35346344, PMCID: PMC8962531

NM_000256.3(MYBPC3):c.230G>T (p.Gly77Val)

Gene: MYBPC3 (myosin binding protein C3; minus strand). Cytogenetic location: 11p11.2.
Variant type: single nucleotide variant.
Coding change: c.230G>T on transcript NM_000256.3 (MANE Select); coding-DNA position 230, G replaced by T.
Protein change: p.Gly77Val; replaces glycine 77 with valine.
Molecular consequence: missense variant.
Genome position (GRCh38, 1-based): chr11:47,351,301, C>A on the plus strand (G>T on the coding strand, the complement: MYBPC3 is on the minus strand). VCF-style: chr11-47351301-C-A. GRCh37 (hg19) VCF-style: chr11-47372852-C-A.
Other names: short protein forms G77V.
Identifiers: ClinVar variation 3070426 (VCV003070426.2), dbSNP rs730880580, ClinGen allele CA380341668.